The following is an entry in ClinVar:

ClinVar aggregate classification (germline): Uncertain significance (1 of 4 stars; one submission).

Conditions:
Bardet-Biedl syndrome (BBS). Identifiers: Orphanet 110, MedGen C0752166, MONDO:0015229.

gnomAD v4.1: 1 of 1,612,896 alleles (0.000062%); highest among the groups gnomAD compares: Non-Finnish European, 0.000085%; no homozygotes.

Submission:

Labcorp Genetics (formerly Invitae), Labcorp
Classification: Uncertain significance for Bardet-Biedl syndrome. Last evaluated: 2022-07-12. Review status: criteria provided, single submitter. Criteria: Invitae Variant Classification Sherloc (09022015). Collection method: clinical testing. Allele origin: germline.
Comment: This sequence change replaces glutamic acid, which is acidic and polar, with lysine, which is basic and polar, at codon 361 of the BBS10 protein (p.Glu361Lys). This variant is not present in population databases (gnomAD no frequency). This variant has not been reported in the literature in individuals affected with BBS10-related conditions. ClinVar contains an entry for this variant (Variation ID: 1479360). Algorithms developed to predict the effect of missense changes on protein structure and function are either unavailable or do not agree on the potential impact of this missense change (SIFT: "Deleterious"; PolyPhen-2: "Benign"; Align-GVGD: "Class C0"). In summary, the available evidence is currently insufficient to determine the role of this variant in disease. Therefore, it has been classified as a Variant of Uncertain Significance.

NM_024685.4(BBS10):c.1081G>A (p.Glu361Lys)

Gene: BBS10 (Bardet-Biedl syndrome 10; minus strand). Cytogenetic location: 12q21.2.
Variant type: single nucleotide variant.
Coding change: c.1081G>A on transcript NM_024685.4 (MANE Select); coding-DNA position 1081, G replaced by A.
Protein change: p.Glu361Lys; replaces glutamic acid 361 with lysine.
Molecular consequence: missense variant.
Genome position (GRCh38, 1-based): chr12:76,346,904, C>T on the plus strand (G>A on the coding strand, the complement: BBS10 is on the minus strand). VCF-style: chr12-76346904-C-T. GRCh37 (hg19) VCF-style: chr12-76740684-C-T.
Other names: short protein forms E361K.
Identifiers: ClinVar variation 1479360 (VCV001479360.8), dbSNP rs1565809819, ClinGen allele CA385812855.